The following is an entry in ClinVar:

NM_001395656.1(ROBO2):c.3058C>T (p.Pro1020Ser)

Gene: ROBO2 (roundabout guidance receptor 2; plus strand). Cytogenetic location: 3p12.3.
Variant type: single nucleotide variant.
Coding change: c.3058C>T on transcript NM_001395656.1 (MANE Select); coding-DNA position 3058, C replaced by T.
Protein change: p.Pro1020Ser; replaces proline 1020 with serine.
Molecular consequence: missense variant.
Genome position (GRCh38, 1-based): chr3:77,602,401, C>T. VCF-style: chr3-77602401-C-T. GRCh37 (hg19) VCF-style: chr3-77651552-C-T.
Other names: c.3094C>T, p.Pro1032Ser (NM_001128929.3); c.3058C>T, p.Pro1020Ser (NM_001290039.2, NM_001290040.2, NM_001378202.1); c.1267C>T, p.Pro423Ser (NM_001290065.2); c.3106C>T, p.Pro1036Ser (NM_001378190.1, NM_001378191.1, NM_001378195.1 and 4 more transcripts); c.3127C>T, p.Pro1043Ser (NM_001378192.1, NM_001378194.1, NM_001378198.1 and 2 more transcripts); c.3046C>T, p.Pro1016Ser (NM_001378193.1, NM_001378197.1, NM_002942.5); c.3115C>T, p.Pro1039Ser (NM_001394212.1, NM_001394214.1, NM_001395657.1); c.3046C>T (NM_002942.4); short protein forms P1016S, P1020S, P1032S, P1036S, P1039S, P1043S, P423S.
Identifiers: ClinVar variation 3617219 (VCV003617219.3).
Genomic context (GRCh38, chr3:77,602,401, plus strand): 5'-CCATATGCCACGACACAGATCTTGCATTCCAACAGCATACATGAATTGGCTGTCGATCTG[C>T]CTGATCCACAATGGAAAAGCTCAATTCAGCAAAAAACAGATCTGATGGGATTTGGTTATT-3'
Protein context (NP_001382585.1, residues 1010-1030): NSIHELAVDL[Pro1020Ser]DPQWKSSIQQ

ClinVar aggregate classification (germline): Uncertain significance. Review status: criteria provided, multiple submitters, no conflicts (2 of 4 stars). 2 submissions from 2 submitters: Uncertain significance (2). Last evaluated 2025-03-05.

Conditions:
Inborn genetic diseases. Identifiers: MedGen C0950123, MeSH D030342.

gnomAD v4.1: 9 of 1,613,946 alleles (0.00056%); highest among the groups gnomAD compares: Admixed American, 0.0033%; no homozygotes.

Submissions (2):

Ambry Genetics
Classification: Uncertain significance for Inborn genetic diseases. Last evaluated: 2025-03-05. Review status: criteria provided, single submitter. Criteria: Ambry Variant Classification Scheme 2023. Collection method: clinical testing. Allele origin: germline.

Labcorp Genetics (formerly Invitae), Labcorp
Classification: Uncertain significance. Last evaluated: 2025-01-08. Review status: criteria provided, single submitter. Criteria: Invitae Variant Classification Sherloc (09022015). Collection method: clinical testing. Allele origin: germline.
Comment: This sequence change replaces proline, which is neutral and non-polar, with serine, which is neutral and polar, at codon 1016 of the ROBO2 protein (p.Pro1016Ser). This variant is present in population databases (no rsID available, gnomAD 0.003%). This variant has not been reported in the literature in individuals affected with ROBO2-related conditions. Invitae Evidence Modeling of protein sequence and biophysical properties (such as structural, functional, and spatial information, amino acid conservation, physicochemical variation, residue mobility, and thermodynamic stability) indicates that this missense variant is not expected to disrupt ROBO2 protein function with a negative predictive value of 95%. In summary, the available evidence is currently insufficient to determine the role of this variant in disease. Therefore, it has been classified as a Variant of Uncertain Significance.